The following is an entry in ClinVar:

ClinVar aggregate classification (germline): Likely pathogenic (1 of 4 stars; one submission).

Conditions:
Cerebellar dysfunction with variable cognitive and behavioral abnormalities (CECBA). Also called: Nonprogressive cerebellar atxia with intellectual disability. Identifiers: Orphanet 314647, MedGen C3553661, MONDO:0013886, OMIM 614756.

Submission:

Victorian Clinical Genetics Services, Murdoch Childrens Research Institute
Classification: Likely pathogenic for Cerebellar dysfunction with variable cognitive and behavioral abnormalities. Last evaluated: 2024-09-22. Review status: criteria provided, single submitter. Criteria: ACMG Guidelines, 2015. Collection method: clinical testing. Allele origin: germline. Inheritance: Autosomal dominant inheritance. Affected: yes.
Comment: Based on the classification scheme VCGS_Germline_v1.3.4, this variant is classified as Likely Pathogenic. Following criteria are met: 0102 - Loss of function is a known mechanism of disease in this gene and is associated with cerebellar dysfunction with variable cognitive and behavioural abnormalities (MIM#614756). (I) 0107 - This gene is associated with autosomal dominant disease. (I) 0211 - Canonical splice site variant without proven consequence on splicing (no functional evidence available). (SP) 0251 - This variant is heterozygous. (I) 0301 - Variant is absent from gnomAD (both v2 and v3). (SP) 0505 - Abnormal splicing is predicted by in silico tools and affected nucleotide is highly conserved. (SP) 0705 - No comparable splice site variants have previous evidence for pathogenicity. (I) 0807 - This variant has no previous evidence of pathogenicity. (I) 0905 - No published segregation evidence has been identified for this variant. (I) 1007 - No published functional evidence has been identified for this variant. (SP) Legend: (SP) - Supporting pathogenic, (I) - Information, (SB) - Supporting benign

NM_015215.4(CAMTA1):c.4618-1G>A

Gene: CAMTA1 (calmodulin binding transcription activator 1; plus strand). Cytogenetic location: 1p36.23.
Variant type: single nucleotide variant.
Coding change: c.4618-1G>A on transcript NM_015215.4 (MANE Select); the canonical splice acceptor site of the intron before coding-DNA position 4618, G replaced by A.
Molecular consequence: splice acceptor variant.
Genome position (GRCh38, 1-based): chr1:7,747,709, G>A. VCF-style: chr1-7747709-G-A. GRCh37 (hg19) VCF-style: chr1-7807769-G-A.
Other names: c.4279-1G>A (NM_001349609.2, NM_001349610.2, NM_001410737.1); c.4207-1G>A (NM_001410738.1); c.4528-1G>A (NM_001349608.2); c.4189-1G>A (NM_001349612.2); c.1690-1G>A (NM_001349614.1, NM_001349617.1, NM_001349616.2 and 2 more transcripts); c.1351-1G>A (NM_001349620.1, NM_001349621.1, NM_001349625.2 and 5 more transcripts); c.1747-1G>A (NM_001349613.1).
Identifiers: ClinVar variation 3254964 (VCV003254964.2), dbSNP rs2523571543.